The following is an entry in ClinVar:

ClinVar aggregate classification (germline): Likely pathogenic (1 of 4 stars; one submission).

Conditions:
Severe combined immunodeficiency due to DCLRE1C deficiency (RS-SCID). Also called: SCID, AUTOSOMAL RECESSIVE, T CELL-NEGATIVE, B CELL-NEGATIVE, NK CELL-POSITIVE, WITH SENSITIVITY TO IONIZING RADIATION. Identifiers: Orphanet 275, MedGen C1865371, MONDO:0011225, OMIM 602450.

Allele frequency attached by ClinVar (database versions not stated): gnomAD exomes below 0.00001.
gnomAD v4.1: 1 of 1,612,838 alleles (0.000062%); highest among the groups gnomAD compares: South Asian, 0.0011%; no homozygotes.

Submission:

Labcorp Genetics (formerly Invitae), Labcorp
Classification: Likely pathogenic for Athabaskan severe combined immunodeficiency. Last evaluated: 2022-09-07. Review status: criteria provided, single submitter. Criteria: Invitae Variant Classification Sherloc (09022015). Collection method: clinical testing. Allele origin: germline.
Comment: In summary, the currently available evidence indicates that the variant is pathogenic, but additional data are needed to prove that conclusively. Therefore, this variant has been classified as Likely Pathogenic. Algorithms developed to predict the effect of sequence changes on RNA splicing suggest that this variant may disrupt the consensus splice site. Algorithms developed to predict the effect of missense changes on protein structure and function are either unavailable or do not agree on the potential impact of this missense change (SIFT: "Tolerated"; PolyPhen-2: "Probably Damaging"; Align-GVGD: "Class C0"). This missense change has been observed in individual(s) with severe combined immunodeficiency (SCID) (Invitae). This variant is not present in population databases (gnomAD no frequency). This sequence change replaces proline, which is neutral and non-polar, with leucine, which is neutral and non-polar, at codon 112 of the DCLRE1C protein (p.Pro112Leu).

NM_001033855.3(DCLRE1C):c.335C>T (p.Pro112Leu)

Gene: DCLRE1C (DNA cross-link repair 1C; minus strand). Cytogenetic location: 10p13.
Variant type: single nucleotide variant.
Coding change: c.335C>T on transcript NM_001033855.3 (MANE Select); coding-DNA position 335, C replaced by T.
Protein change: p.Pro112Leu; replaces proline 112 with leucine.
Molecular consequence: missense variant. On other transcripts: 5 prime UTR variant (5), non-coding transcript variant (3), intron variant (4).
Genome position (GRCh38, 1-based): chr10:14,936,565, G>A on the plus strand (C>T on the coding strand, the complement: DCLRE1C is on the minus strand). VCF-style: chr10-14936565-G-A. GRCh37 (hg19) VCF-style: chr10-14978564-G-A.
Other names: c.-26C>T (NM_001289077.2, NM_001289079.2, NM_001350967.2 and 2 more transcripts); c.335C>T, p.Pro112Leu (NM_001350965.2); c.18-1001C>T (NM_001350966.2, NM_001289078.2, NM_001289076.2 and 1 more transcripts); short protein forms P112L.
Identifiers: ClinVar variation 2125612 (VCV002125612.4), dbSNP rs2492077143, ClinGen allele CA376061192.
Genomic context (GRCh38, chr10:14,936,565, plus strand): 5'-ATAATAAAATGACAAAATAAATGACCCCCTTACATAACTGATCCCGGACAGTGACCAGCT[G>A]GTAAGAGAGTCACAACAATCTCTTCCTTCTAAAAAGAAAATAAAGAAAAAATAGTAATGG-3'
Protein context (NP_001029027.1, residues 102-122): EKEEIVVTLL[Pro112Leu]AGHCPGSVMF